The following is an entry in ClinVar:

ClinVar aggregate classification (germline): Uncertain significance. Review status: criteria provided, multiple submitters, no conflicts (2 of 4 stars). 5 submissions from 5 submitters: Uncertain significance (5). Last evaluated 2026-10-15.

Conditions:
Neuronal ceroid lipofuscinosis. Also called: Neuronal Ceroid Lipofuscinoses. Identifiers: Orphanet 216, Orphanet 79263, MedGen C0027877, MONDO:0016295. Disease mechanism: loss of function.

Allele frequency attached by ClinVar (database versions not stated): gnomAD exomes 0.00004 and 0.00007; TOPMed 0.00004; ExAC 0.00005; gnomAD 0.00006 and 0.00007; 1000 Genomes Project 0.00020; 1000 Genomes Project 30x 0.00016.

Submissions (5):

GeneDx
Classification: Uncertain significance. Last evaluated: 2026-10-15. Review status: criteria provided, single submitter. Criteria: GeneDx Variant Classification Process June 2021. Collection method: clinical testing. Allele origin: germline.
Comment: In silico analysis supports that this missense variant has a deleterious effect on protein structure/function; Has not been previously published as pathogenic or benign in association with CLN6-related neuronal ceroid lipofuscinosis to our knowledge; This variant is associated with the following publications: (PMID: 35881528)

Blueprint Genetics
Classification: Uncertain significance. Last evaluated: 2024-11-26. Review status: criteria provided, single submitter. Criteria: ACMG Guidelines, 2015. Collection method: clinical testing. Allele origin: germline.

Labcorp Genetics (formerly Invitae), Labcorp
Classification: Uncertain significance for Neuronal ceroid lipofuscinosis. Last evaluated: 2022-10-06. Review status: criteria provided, single submitter. Criteria: Invitae Variant Classification Sherloc (09022015). Collection method: clinical testing. Allele origin: germline.
Comment: This sequence change replaces arginine, which is basic and polar, with cysteine, which is neutral and slightly polar, at codon 106 of the CLN6 protein (p.Arg106Cys). This variant is present in population databases (rs202226970, gnomAD 0.06%). This variant has not been reported in the literature in individuals affected with CLN6-related conditions. ClinVar contains an entry for this variant (Variation ID: 197315). Advanced modeling of protein sequence and biophysical properties (such as structural, functional, and spatial information, amino acid conservation, physicochemical variation, residue mobility, and thermodynamic stability) performed at Invitae indicates that this missense variant is not expected to disrupt CLN6 protein function. In summary, the available evidence is currently insufficient to determine the role of this variant in disease. Therefore, it has been classified as a Variant of Uncertain Significance.

Illumina Laboratory Services, Illumina
Classification: Uncertain significance for Neuronal ceroid lipofuscinosis. Last evaluated: 2018-01-13. Review status: criteria provided, single submitter. Criteria: ICSL Variant Classification Criteria 13 December 2019. Collection method: clinical testing. Allele origin: germline.

Eurofins Ntd Llc (ga)
Classification: Uncertain significance. Last evaluated: 2014-11-05. Review status: criteria provided, single submitter. Criteria: EGL Classification Definitions 2015. Collection method: clinical testing. Allele origin: germline. Observed: 1 variant allele, 1 heterozygote.

NM_017882.3(CLN6):c.316C>T (p.Arg106Cys)

Gene: CLN6 (CLN6 transmembrane ER protein; minus strand). Cytogenetic location: 15q23.
Variant type: single nucleotide variant.
Coding change: c.316C>T on transcript NM_017882.3 (MANE Select); coding-DNA position 316, C replaced by T.
Protein change: p.Arg106Cys; replaces arginine 106 with cysteine.
Molecular consequence: missense variant.
Genome position (GRCh38, 1-based): chr15:68,211,845, G>A on the plus strand (C>T on the coding strand, the complement: CLN6 is on the minus strand). VCF-style: chr15-68211845-G-A. GRCh37 (hg19) VCF-style: chr15-68504183-G-A.
Other names: p.R106C:CGC>TGC; short protein forms R106C.
Identifiers: ClinVar variation 197315 (VCV000197315.17), dbSNP rs202226970, ClinGen allele CA245380.
Genomic context (GRCh38, chr15:68,211,845, plus strand): 5'-TGCTGGCACCCATGATGAAGATGATGATGCTCACGTACGTGATGGAGCGTGGCAGGGTGC[G>A]GGGGGACCGCTCGATGAGCTGGGGTTCAGAGTGGGGTTGGCAGCATGACCCCACCTCTGT-3'
Protein context (NP_060352.1, residues 96-116): LLLKLIERSP[Arg106Cys]TLPRSITYVS